The following is an entry in ClinVar:

ClinVar aggregate classification (germline): Uncertain significance (1 of 4 stars; one submission).

Conditions:
Brugada syndrome. Also called: Sudden unexpected nocturnal death syndrome; Sudden unexplained nocturnal death syndrome; Sudden Unexplained Death Syndrome; Sudden Unexplained Nocturnal Death Syndrome (SUNDS). Identifiers: Orphanet 130, MedGen C1142166, MONDO:0015263.

Allele frequency attached by ClinVar (database versions not stated): gnomAD exomes below 0.00001; gnomAD 0.00001.

Submission:

Labcorp Genetics (formerly Invitae), Labcorp
Classification: Uncertain significance for Brugada syndrome. Last evaluated: 2023-08-28. Review status: criteria provided, single submitter. Criteria: Invitae Variant Classification Sherloc (09022015). Collection method: clinical testing. Allele origin: germline.
Comment: In summary, the available evidence is currently insufficient to determine the role of this variant in disease. Therefore, it has been classified as a Variant of Uncertain Significance. Advanced modeling of protein sequence and biophysical properties (such as structural, functional, and spatial information, amino acid conservation, physicochemical variation, residue mobility, and thermodynamic stability) performed at Invitae indicates that this missense variant is not expected to disrupt GPD1L protein function. This variant has not been reported in the literature in individuals affected with GPD1L-related conditions. This variant is present in population databases (no rsID available, gnomAD 0.003%). This sequence change replaces methionine, which is neutral and non-polar, with isoleucine, which is neutral and non-polar, at codon 142 of the GPD1L protein (p.Met142Ile).

NM_015141.4(GPD1L):c.426G>A (p.Met142Ile)

Gene: GPD1L (glycerol-3-phosphate dehydrogenase 1 like; plus strand). Cytogenetic location: 3p22.3.
Variant type: single nucleotide variant.
Coding change: c.426G>A on transcript NM_015141.4 (MANE Select); coding-DNA position 426, G replaced by A.
Protein change: p.Met142Ile; replaces methionine 142 with isoleucine.
Molecular consequence: missense variant.
Genome position (GRCh38, 1-based): chr3:32,140,287, G>A. VCF-style: chr3-32140287-G-A. GRCh37 (hg19) VCF-style: chr3-32181779-G-A.
Other names: short protein forms M142I.
Identifiers: ClinVar variation 2996158 (VCV002996158.3), dbSNP rs1339582219, ClinGen allele CA351974745.
Genomic context (GRCh38, chr3:32,140,287, plus strand): 5'-GGGCATAGACGAGGGCCCCGAGGGGCTGAAGCTCATTTCTGACATCATCCGTGAGAAGAT[G>A]GGTATTGACATCAGTGTGCTGATGGGAGCCAACATTGCCAATGAGGTGGCTGCAGAGAAG-3'
Protein context (NP_055956.1, residues 132-152): KLISDIIREK[Met142Ile]GIDISVLMGA